The following is an entry in ClinVar:

NM_000238.4(KCNH2):c.2559G>A (p.Trp853Ter)

Gene: KCNH2 (potassium voltage-gated channel subfamily H member 2; minus strand). Cytogenetic location: 7q36.1.
Variant type: single nucleotide variant.
Coding change: c.2559G>A on transcript NM_000238.4 (MANE Select); coding-DNA position 2559, G replaced by A.
Protein change: p.Trp853Ter; replaces tryptophan 853 with a stop codon.
Molecular consequence: nonsense.
Genome position (GRCh38, 1-based): chr7:150,948,889, C>T on the plus strand (G>A on the coding strand, the complement: KCNH2 is on the minus strand). VCF-style: chr7-150948889-C-T. GRCh37 (hg19) VCF-style: chr7-150645977-C-T.
Other names: c.1539G>A, p.Trp513Ter (NM_172057.3); short protein forms W853*, W513*.
Identifiers: ClinVar variation 1406991 (VCV001406991.6), dbSNP rs2116940231, ClinGen allele CA369854791.

ClinVar aggregate classification (germline): Pathogenic (1 of 4 stars; one submission).

Conditions:
Long QT syndrome (LQTS). Identifiers: MedGen C0023976, MeSH D008133, MONDO:0002442. Disease mechanism: loss of function. Inheritance: Various modes of inheritance.

Submission:

Labcorp Genetics (formerly Invitae), Labcorp
Classification: Pathogenic for Long QT syndrome. Last evaluated: 2022-04-14. Review status: criteria provided, single submitter. Criteria: Invitae Variant Classification Sherloc (09022015). Collection method: clinical testing. Allele origin: germline.
Comment: This sequence change creates a premature translational stop signal (p.Trp853*) in the KCNH2 gene. It is expected to result in an absent or disrupted protein product. Loss-of-function variants in KCNH2 are known to be pathogenic (PMID: 10973849, 19862833). This variant is not present in population databases (gnomAD no frequency). This variant has not been reported in the literature in individuals affected with KCNH2-related conditions. For these reasons, this variant has been classified as Pathogenic.

Literature cited by the submitters: PubMed 10973849; PubMed 19862833.